The following is an entry in ClinVar:

ClinVar aggregate classification (germline): Likely benign. Review status: criteria provided, multiple submitters, no conflicts (2 of 4 stars). 4 submissions from 4 submitters: Likely benign (3). 1 of the submissions does not count toward it. Last evaluated 2026-01-08.

Conditions:
Mucopolysaccharidosis, MPS-III-A (MPS3A). Also called: MUCOPOLYSACCHARIDOSIS, TYPE IIIA, ATTENUATED; HEPARAN SULFATE SULFATASE DEFICIENCY; SANFILIPPO SYNDROME A; SULFAMIDASE DEFICIENCY; Mucopolysaccharidosis, type IIIA; MPS III A. Identifiers: Orphanet 581, Orphanet 79269, MedGen C0086647, MONDO:0009655, OMIM 252900.

Allele frequency attached by ClinVar (database versions not stated): TOPMed 0.00006; ESP Exome Variant Server 0.00015; gnomAD exomes 0.00019; gnomAD 0.00010 and 0.00009; ExAC 0.00030.
gnomAD v4.1: 151 of 1,611,542 alleles (0.0094%); highest among the groups gnomAD compares: Middle Eastern, 0.033%; no homozygotes.

Submissions (4):

Labcorp Genetics (formerly Invitae), Labcorp
Classification: Likely benign for Mucopolysaccharidosis, MPS-III-A. Last evaluated: 2026-01-08. Review status: criteria provided, single submitter. Criteria: Invitae Variant Classification Sherloc (09022015). Collection method: clinical testing. Allele origin: germline.

Mayo Clinic Laboratories, Mayo Clinic
Classification: Likely benign. Last evaluated: 2024-11-08. Review status: criteria provided, single submitter. Criteria: ACMG Guidelines, 2015. Collection method: clinical testing. Allele origin: germline. Observed: 1 variant allele.
Comment: BP4, BP7, PM2_supporting

Blueprint Genetics
Classification: Likely benign. Last evaluated: 2024-07-15. Review status: criteria provided, single submitter. Criteria: ACMG Guidelines, 2015. Collection method: clinical testing. Allele origin: germline.

Natera, Inc.
Classification: Likely benign for Mucopolysaccharidosis type IIIA. Last evaluated: 2020-02-26. Review status: no assertion criteria provided. Collection method: clinical testing. Allele origin: germline. Not counted in ClinVar's aggregate classification.

NM_000199.5(SGSH):c.1062C>T (p.Ala354=)

Gene: SGSH (N-sulfoglucosamine sulfohydrolase; minus strand). Cytogenetic location: 17q25.3.
Variant type: single nucleotide variant.
Coding change: c.1062C>T on transcript NM_000199.5 (MANE Select); coding-DNA position 1062, C replaced by T.
Protein change: p.Ala354=; no amino-acid change (alanine 354 retained).
Molecular consequence: synonymous variant. On other transcripts: 3 prime UTR variant (2), non-coding transcript variant (1).
Genome position (GRCh38, 1-based): chr17:80,210,899, G>A on the plus strand (C>T on the coding strand, the complement: SGSH is on the minus strand). VCF-style: chr17-80210899-G-A. GRCh37 (hg19) VCF-style: chr17-78184698-G-A.
Other names: p.Ala354=; c.*149C>T (NM_001352921.3); c.*112C>T (NM_001352922.2).
Identifiers: ClinVar variation 758177 (VCV000758177.16), dbSNP rs150750383, ClinGen allele CA8817683.